The following is an entry in ClinVar:

ClinVar aggregate classification (germline): Uncertain significance (1 of 4 stars; one submission).

Conditions:
Cowden syndrome (CS). Also called: Cowden's disease; Cowden's syndrome; Cowden disease. Identifiers: Orphanet 201, MedGen C0018553, MONDO:0016063. Disease mechanism: gain of function.

Submission:

Labcorp Genetics (formerly Invitae), Labcorp
Classification: Uncertain significance for Cowden syndrome. Last evaluated: 2016-11-29. Review status: criteria provided, single submitter. Criteria: Invitae Variant Classification Sherloc (09022015). Collection method: clinical testing. Allele origin: germline.
Comment: In summary, this is a novel intronic change with uncertain impact on splicing. It has been classified as a Variant of Uncertain Significance. This sequence change falls in intron 13 of the PIK3CA gene. It does not directly change the encoded amino acid sequence of the PIK3CA protein. This variant is not present in population databases (ExAC no frequency) and has not been reported in the literature in individuals with a PIK3CA-related disease. Algorithms developed to predict the effect of sequence changes on RNA splicing suggest that this variant may alter RNA splicing, but this prediction has not been confirmed by published transcriptional studies.

NM_006218.4(PIK3CA):c.2015+4A>C

Gene: PIK3CA (phosphatidylinositol-4,5-bisphosphate 3-kinase catalytic subunit alpha; plus strand). Cytogenetic location: 3q26.32.
Variant type: single nucleotide variant.
Coding change: c.2015+4A>C on transcript NM_006218.4 (MANE Select); 4 bases into the intron after coding-DNA position 2015, A replaced by C.
Molecular consequence: intron variant.
Genome position (GRCh38, 1-based): chr3:179,220,056, A>C. VCF-style: chr3-179220056-A-C. GRCh37 (hg19) VCF-style: chr3-178937844-A-C.
Other names: c.2015+4A>C (LRG_310t1).
Identifiers: ClinVar variation 403907 (VCV000403907.7), dbSNP rs1060500026, ClinGen allele CA16611298.